The following is an entry in ClinVar:

NM_002204.4(ITGA3):c.470G>A (p.Arg157His)

Gene: ITGA3 (integrin subunit alpha 3; plus strand). Cytogenetic location: 17q21.33.
Variant type: single nucleotide variant.
Coding change: c.470G>A on transcript NM_002204.4 (MANE Select); coding-DNA position 470, G replaced by A.
Protein change: p.Arg157His; replaces arginine 157 with histidine.
Molecular consequence: missense variant.
Genome position (GRCh38, 1-based): chr17:50,068,111, G>A. VCF-style: chr17-50068111-G-A. GRCh37 (hg19) VCF-style: chr17-48145475-G-A.
Other names: short protein forms R157H.
Identifiers: ClinVar variation 2187431 (VCV002187431.5), dbSNP rs766249771, ClinGen allele CA8641265.
Genomic context (GRCh38, chr17:50,068,111, plus strand): 5'-CCCAGGTCTGTGCCCACCGCTACACCCAGGTGCTGTGGTCAGGGTCAGAAGACCAGCGGC[G>A]CATGGTGGGCAAGTGCTACGTGCGAGGCAATGACCTAGAGCTGGACTCCAGTGATGACTG-3'
Protein context (NP_002195.1, residues 147-167): VLWSGSEDQR[Arg157His]MVGKCYVRGN

ClinVar aggregate classification (germline): Uncertain significance. Review status: criteria provided, multiple submitters, no conflicts (2 of 4 stars). 2 submissions from 2 submitters: Uncertain significance (2). Last evaluated 2024-01-20.

Conditions:
Epidermolysis bullosa, junctional 7, with interstitial lung disease and nephrotic syndrome. Also called: Interstitial lung disease, nephrotic syndrome, and epidermolysis bullosa, congenital; Interstitial Lung Disease with Nephrotic Syndrome and Epidermolysis Bullosa. Identifiers: Orphanet 306504, MedGen C4518785, MONDO:0013881, OMIM 614748.

Allele frequency attached by ClinVar (database versions not stated): ExAC 0.00001.

Submissions (2):

Fulgent Genetics
Classification: Uncertain significance for Epidermolysis bullosa, junctional 7, with interstitial lung disease and nephrotic syndrome. Last evaluated: 2024-01-20. Review status: criteria provided, single submitter. Criteria: ACMG Guidelines, 2015. Collection method: clinical testing. Allele origin: germline.

Labcorp Genetics (formerly Invitae), Labcorp
Classification: Uncertain significance. Last evaluated: 2022-03-04. Review status: criteria provided, single submitter. Criteria: Invitae Variant Classification Sherloc (09022015). Collection method: clinical testing. Allele origin: germline.
Comment: In summary, the available evidence is currently insufficient to determine the role of this variant in disease. Therefore, it has been classified as a Variant of Uncertain Significance. Algorithms developed to predict the effect of missense changes on protein structure and function (SIFT, PolyPhen-2, Align-GVGD) all suggest that this variant is likely to be tolerated. This variant has not been reported in the literature in individuals affected with ITGA3-related conditions. This variant is present in population databases (rs766249771, gnomAD 0.006%). This sequence change replaces arginine, which is basic and polar, with histidine, which is basic and polar, at codon 157 of the ITGA3 protein (p.Arg157His).